The following is an entry in ClinVar:

NM_000264.5(PTCH1):c.3155C>A (p.Thr1052Lys)

Gene: PTCH1 (patched 1; minus strand). Cytogenetic location: 9q22.32.
Variant type: single nucleotide variant.
Coding change: c.3155C>A on transcript NM_000264.5 (MANE Select); coding-DNA position 3155, C replaced by A.
Protein change: p.Thr1052Lys; replaces threonine 1052 with lysine.
Molecular consequence: missense variant. On other transcripts: non-coding transcript variant (1).
Genome position (GRCh38, 1-based): chr9:95,458,026, G>T on the plus strand (C>A on the coding strand, the complement: PTCH1 is on the minus strand). VCF-style: chr9-95458026-G-T. GRCh37 (hg19) VCF-style: chr9-98220308-G-T.
Other names: c.2957C>A, p.Thr986Lys (NM_001083602.3); c.3152C>A, p.Thr1051Lys (NM_001083603.3); c.2702C>A, p.Thr901Lys (NM_001083604.3, NM_001083605.3, NM_001083606.3 and 1 more transcripts); c.2999C>A, p.Thr1000Lys (NM_001354918.2); short protein forms T1051K, T901K, T986K, T1000K, T1052K.
Identifiers: ClinVar variation 1728229 (VCV001728229.2), dbSNP rs138911275, ClinGen allele CA374112272.
Genomic context (GRCh38, chr9:95,458,026, plus strand): 5'-TGCTGAAAGGAATTTGACTTCCACAAAGCCCCTTATAATACACTCACAATGATCCCGGCC[G>T]TCCAGGGGTTCAGAAGGAAGACAGCGCACACGAGGAATGTGCAGGCCAACACCACGCTGA-3'
Protein context (NP_000255.2, residues 1042-1062): VCAVFLLNPW[Thr1052Lys]AGIIVMVLAL

ClinVar aggregate classification (germline): Uncertain significance (1 of 4 stars; one submission).

Conditions:
Hereditary cancer-predisposing syndrome. Also called: Tumor predisposition; Neoplastic Syndromes, Hereditary; Hereditary Cancer Syndrome; Hereditary neoplastic syndrome. Identifiers: Orphanet 140162, MedGen C0027672, MeSH D009386, MONDO:0015356.

Submission:

Ambry Genetics
Classification: Uncertain significance for Hereditary cancer-predisposing syndrome. Last evaluated: 2022-03-13. Review status: criteria provided, single submitter. Criteria: Ambry Variant Classification Scheme 2023. Collection method: clinical testing. Allele origin: germline.
Comment: The p.T1052K variant (also known as c.3155C>A), located in coding exon 18 of the PTCH1 gene, results from a C to A substitution at nucleotide position 3155. The threonine at codon 1052 is replaced by lysine, an amino acid with similar properties. This amino acid position is conserved. In addition, this alteration is predicted to be deleterious by in silico analysis. Since supporting evidence is limited at this time, the clinical significance of this alteration remains unclear.